The following is an entry in ClinVar:

ClinVar aggregate classification (germline): Likely pathogenic. Review status: criteria provided, multiple submitters, no conflicts (2 of 4 stars). 2 submissions from 2 submitters: Likely pathogenic (2). Last evaluated 2022-09-20.

Conditions:
HYPERHOMOCYSTEINEMIA, THROMBOTIC, CBS-RELATED. Identifiers: MedGen C3150344, OMIM 236200.

Submissions (2):

Labcorp Genetics (formerly Invitae), Labcorp
Classification: Likely pathogenic for HYPERHOMOCYSTEINEMIA, THROMBOTIC, CBS-RELATED. Last evaluated: 2022-09-20. Review status: criteria provided, single submitter. Criteria: Invitae Variant Classification Sherloc (09022015). Collection method: clinical testing. Allele origin: germline.
Comment: This sequence change affects a donor splice site in intron 6 of the CBS gene. It is expected to disrupt RNA splicing. Variants that disrupt the donor or acceptor splice site typically lead to a loss of protein function (PMID: 16199547), and loss-of-function variants in CBS are known to be pathogenic (PMID: 10338090, 12124992). This variant is not present in population databases (gnomAD no frequency). This variant has not been reported in the literature in individuals affected with CBS-related conditions. Algorithms developed to predict the effect of sequence changes on RNA splicing suggest that this variant may disrupt the consensus splice site. In summary, the currently available evidence indicates that the variant is pathogenic, but additional data are needed to prove that conclusively. Therefore, this variant has been classified as Likely Pathogenic.

GeneDx
Classification: Likely pathogenic. Last evaluated: 2022-09-06. Review status: criteria provided, single submitter. Criteria: GeneDx Variant Classification Process June 2021. Collection method: clinical testing. Allele origin: germline. Affected: yes.
Comment: Canonical splice site variant predicted to result in a null allele in a gene for which loss of function is a known mechanism of disease; Not observed at significant frequency in large population cohorts (gnomAD); Has not been previously published as pathogenic or benign to our knowledge

Literature cited by the submitters: PubMed 16199547 (cited by Labcorp Genetics (formerly Invitae), Labcorp); PubMed 10338090 (cited by Labcorp Genetics (formerly Invitae), Labcorp); PubMed 12124992 (cited by Labcorp Genetics (formerly Invitae), Labcorp).

NM_000071.3(CBS):c.531+1G>A

Gene: CBS (cystathionine beta-synthase; minus strand). Cytogenetic location: 21q22.3.
Variant type: single nucleotide variant.
Coding change: c.531+1G>A on transcript NM_000071.3 (MANE Select); the canonical splice donor site of the intron after coding-DNA position 531, G replaced by A.
Molecular consequence: splice donor variant.
Genome position (GRCh38, 1-based): chr21:43,065,615, C>T on the plus strand (G>A on the coding strand, the complement: CBS is on the minus strand). VCF-style: chr21-43065615-C-T. GRCh37 (hg19) VCF-style: chr21-44485725-C-T.
Other names: c.531+1G>A (NM_001320298.2, NM_001178009.3, NM_001178008.3); c.216+1G>A (NM_001321072.1).
Identifiers: ClinVar variation 2180414 (VCV002180414.5), dbSNP rs1207298097, ClinGen allele CA410601254.